The following is an entry in ClinVar:

NM_139057.4(ADAMTS17):c.2954C>G (p.Ser985Trp)

Gene: ADAMTS17 (ADAM metallopeptidase with thrombospondin type 1 motif 17; minus strand). Cytogenetic location: 15q26.3.
Variant type: single nucleotide variant.
Coding change: c.2954C>G on transcript NM_139057.4 (MANE Select); coding-DNA position 2954, C replaced by G.
Protein change: p.Ser985Trp; replaces serine 985 with tryptophan.
Molecular consequence: missense variant.
Genome position (GRCh38, 1-based): chr15:99,976,218, G>C on the plus strand (C>G on the coding strand, the complement: ADAMTS17 is on the minus strand). VCF-style: chr15-99976218-G-C. GRCh37 (hg19) VCF-style: chr15-100516423-G-C.
Other names: short protein forms S985W.
Identifiers: ClinVar variation 1435479 (VCV001435479.6), dbSNP rs1353227852, ClinGen allele CA393692918.

ClinVar aggregate classification (germline): Uncertain significance (1 of 4 stars; one submission).

gnomAD v4.1: 1 of 1,544,928 alleles (0.000065%); highest among the groups gnomAD compares: Non-Finnish European, 0.000087%; no homozygotes.

Submission:

Labcorp Genetics (formerly Invitae), Labcorp
Classification: Uncertain significance. Last evaluated: 2023-12-11. Review status: criteria provided, single submitter. Criteria: Invitae Variant Classification Sherloc (09022015). Collection method: clinical testing. Allele origin: germline.
Comment: This sequence change replaces serine with tryptophan at codon 985 of the ADAMTS17 protein (p.Ser985Trp). The serine residue is highly conserved and there is a large physicochemical difference between serine and tryptophan. This variant is not present in population databases (gnomAD no frequency). This variant has not been reported in the literature in individuals affected with ADAMTS17-related conditions. ClinVar contains an entry for this variant (Variation ID: 1435479). An algorithm developed to predict the effect of missense changes on protein structure and function (PolyPhen-2) suggests that this variant is likely to be disruptive. In summary, the available evidence is currently insufficient to determine the role of this variant in disease. Therefore, it has been classified as a Variant of Uncertain Significance.